The following is an entry in ClinVar:

NM_003705.5(SLC25A12):c.832T>C (p.Tyr278His)

Gene: SLC25A12 (solute carrier family 25 member 12; minus strand). Cytogenetic location: 2q31.1.
Variant type: single nucleotide variant.
Coding change: c.832T>C on transcript NM_003705.5 (MANE Select); coding-DNA position 832, T replaced by C.
Protein change: p.Tyr278His; replaces tyrosine 278 with histidine.
Molecular consequence: missense variant. On other transcripts: non-coding transcript variant (1).
Genome position (GRCh38, 1-based): chr2:171,833,976, A>G on the plus strand (T>C on the coding strand, the complement: SLC25A12 is on the minus strand). VCF-style: chr2-171833976-A-G. GRCh37 (hg19) VCF-style: chr2-172690486-A-G.
Other names: short protein forms Y278H.
Identifiers: ClinVar variation 1401666 (VCV001401666.5), dbSNP rs891832225, ClinGen allele CA60929829.

ClinVar aggregate classification (germline): Uncertain significance (1 of 4 stars; one submission).

Allele frequency attached by ClinVar (database versions not stated): gnomAD exomes below 0.00001 and 0.00001; TOPMed 0.00001.
gnomAD v4.1: 15 of 1,579,116 alleles (0.00095%); highest among the groups gnomAD compares: South Asian, 0.0022%; no homozygotes.

Submission:

Labcorp Genetics (formerly Invitae), Labcorp
Classification: Uncertain significance. Last evaluated: 2024-12-02. Review status: criteria provided, single submitter. Criteria: Invitae Variant Classification Sherloc (09022015). Collection method: clinical testing. Allele origin: germline.
Comment: This sequence change replaces tyrosine, which is neutral and polar, with histidine, which is basic and polar, at codon 278 of the SLC25A12 protein (p.Tyr278His). This variant is present in population databases (no rsID available, gnomAD 0.0009%). This missense change has been observed in individual(s) with developmental and epileptic encephalopathy (PMID: 34797406). ClinVar contains an entry for this variant (Variation ID: 1401666). Invitae Evidence Modeling of protein sequence and biophysical properties (such as structural, functional, and spatial information, amino acid conservation, physicochemical variation, residue mobility, and thermodynamic stability) indicates that this missense variant is not expected to disrupt SLC25A12 protein function with a negative predictive value of 80%. In summary, the available evidence is currently insufficient to determine the role of this variant in disease. Therefore, it has been classified as a Variant of Uncertain Significance.

Literature cited by the submitters: PubMed 34797406.